The following is an entry in ClinVar:

NM_005476.7(GNE):c.171A>T (p.Thr57=)

Gene: GNE (glucosamine (UDP-N-acetyl)-2-epimerase/N-acetylmannosamine kinase; minus strand). Cytogenetic location: 9p13.3.
Variant type: single nucleotide variant.
Coding change: c.171A>T on transcript NM_005476.7 (MANE Select); coding-DNA position 171, A replaced by T.
Protein change: p.Thr57=; no amino-acid change (threonine 57 retained).
Molecular consequence: synonymous variant. On other transcripts: 5 prime UTR variant (3).
Genome position (GRCh38, 1-based): chr9:36,246,476, T>A on the plus strand (A>T on the coding strand, the complement: GNE is on the minus strand). VCF-style: chr9-36246476-T-A. GRCh37 (hg19) VCF-style: chr9-36246473-T-A.
Other names: c.264A>T, p.Thr88= (NM_001128227.3); c.171A>T, p.Thr57= (NM_001190383.3, NM_001374797.1); c.-7A>T (NM_001190384.3, NM_001190388.2, NM_001374798.1).
Identifiers: ClinVar variation 3350299 (VCV003350299.1).

ClinVar aggregate classification (germline): Likely benign (0 of 4 stars; one submission).

Conditions:
GNE-related disorder. Also called: GNE-related condition.

Submission:

PreventionGenetics, part of Exact Sciences
Classification: Likely benign for GNE-related condition. Last evaluated: 2019-06-05. Review status: no assertion criteria provided. Collection method: clinical testing. Allele origin: germline.
Comment: This variant is classified as likely benign based on ACMG/AMP sequence variant interpretation guidelines (Richards et al. 2015 PMID: 25741868, with internal and published modifications).